The following is an entry in ClinVar:

NM_004360.5(CDH1):c.2268T>C (p.Asp756=)

Gene: CDH1 (cadherin 1; plus strand). Cytogenetic location: 16q22.1.
Variant type: single nucleotide variant.
Coding change: c.2268T>C on transcript NM_004360.5 (MANE Select); coding-DNA position 2268, T replaced by C.
Protein change: p.Asp756=; no amino-acid change (aspartic acid 756 retained).
Molecular consequence: synonymous variant.
Genome position (GRCh38, 1-based): chr16:68,828,277, T>C. VCF-style: chr16-68828277-T-C. GRCh37 (hg19) VCF-style: chr16-68862180-T-C.
Other names: c.2085T>C, p.Asp695= (NM_001317184.2); c.720T>C, p.Asp240= (NM_001317185.2); c.303T>C, p.Asp101= (NM_001317186.2).
Identifiers: ClinVar variation 699080 (VCV000699080.5), dbSNP rs1567515480, ClinGen allele CA496157183.

ClinVar aggregate classification (germline): Benign/Likely benign. Review status: criteria provided, multiple submitters, no conflicts (2 of 4 stars). 3 submissions from 3 submitters: Benign (1); Likely benign (2). Last evaluated 2026-05-24.

Conditions:
Hereditary cancer-predisposing syndrome. Also called: Neoplastic Syndromes, Hereditary; Hereditary neoplastic syndrome; Hereditary Cancer Syndrome; Tumor predisposition. Identifiers: Orphanet 140162, MedGen C0027672, MeSH D009386, MONDO:0015356.
Hereditary diffuse gastric adenocarcinoma (HDGC). Also called: DIFFUSE GASTRIC AND LOBULAR BREAST CANCER SYNDROME. Identifiers: Orphanet 26106, MedGen C1708349, MONDO:0007648, OMIM 137215.

Submissions (3):

Ambry Genetics
Classification: Likely benign for Hereditary cancer-predisposing syndrome. Last evaluated: 2026-05-24. Review status: criteria provided, single submitter. Criteria: Ambry Variant Classification Scheme 2023. Collection method: clinical testing. Allele origin: germline.

Myriad Genetics, Inc.
Classification: Benign for Hereditary diffuse gastric adenocarcinoma. Last evaluated: 2024-09-23. Review status: criteria provided, single submitter. Criteria: Myriad Autosomal Dominant, Autosomal Recessive and X-Linked Classification Criteria (2023). Collection method: clinical testing. Allele origin: unknown.
Comment: This variant is considered benign. This variant is a silent/synonymous amino acid change and it is not expected to impact splicing.

Labcorp Genetics (formerly Invitae), Labcorp
Classification: Likely benign. Last evaluated: 2015-12-20. Review status: criteria provided, single submitter. Criteria: Invitae Variant Classification Sherloc (09022015). Collection method: clinical testing. Allele origin: germline.